The following is an entry in ClinVar:

NM_004304.5(ALK):c.3685G>T (p.Val1229Leu)

Gene: ALK (ALK receptor tyrosine kinase; minus strand). Cytogenetic location: 2p23.2.
Variant type: single nucleotide variant.
Coding change: c.3685G>T on transcript NM_004304.5 (MANE Select); coding-DNA position 3685, G replaced by T.
Protein change: p.Val1229Leu; replaces valine 1229 with leucine.
Molecular consequence: missense variant.
Genome position (GRCh38, 1-based): chr2:29,214,042, C>A on the plus strand (G>T on the coding strand, the complement: ALK is on the minus strand). VCF-style: chr2-29214042-C-A. GRCh37 (hg19) VCF-style: chr2-29436908-C-A.
Other names: c.481G>T, p.Val161Leu (NM_001353765.2); short protein forms V1229L, V161L.
Identifiers: ClinVar variation 647528 (VCV000647528.12), dbSNP rs776228721, ClinGen allele CA346471483.

ClinVar aggregate classification (germline): Uncertain significance. Review status: criteria provided, multiple submitters, no conflicts (2 of 4 stars). 2 submissions from 2 submitters: Uncertain significance (2). Last evaluated 2025-01-25.

Conditions:
Hereditary cancer-predisposing syndrome. Also called: Hereditary Cancer Syndrome; Tumor predisposition; Neoplastic Syndromes, Hereditary; Hereditary neoplastic syndrome. Identifiers: Orphanet 140162, MedGen C0027672, MeSH D009386, MONDO:0015356.
Neuroblastoma, susceptibility to, 3. Also called: ALK-Related Neuroblastic Tumor Susceptibility. Identifiers: Orphanet 635, MedGen C2751681, MONDO:0013083, OMIM 613014.

Allele frequency attached by ClinVar (database versions not stated): TOPMed below 0.00001; gnomAD 0.00001.
gnomAD v4.1: 4 of 1,613,944 alleles (0.00025%); highest among the groups gnomAD compares: Admixed American, 0.0033%; no homozygotes.

Submissions (2):

Labcorp Genetics (formerly Invitae), Labcorp
Classification: Uncertain significance for Neuroblastoma, susceptibility to, 3. Last evaluated: 2025-01-25. Review status: criteria provided, single submitter. Criteria: Invitae Variant Classification Sherloc (09022015). Collection method: clinical testing. Allele origin: germline.
Comment: This sequence change replaces valine, which is neutral and non-polar, with leucine, which is neutral and non-polar, at codon 1229 of the ALK protein (p.Val1229Leu). This variant is present in population databases (no rsID available, gnomAD 0.003%). This variant has not been reported in the literature in individuals affected with ALK-related conditions. ClinVar contains an entry for this variant (Variation ID: 647528). An algorithm developed to predict the effect of missense changes on protein structure and function (PolyPhen-2) suggests that this variant is likely to be disruptive. In summary, the available evidence is currently insufficient to determine the role of this variant in disease. Therefore, it has been classified as a Variant of Uncertain Significance.

Ambry Genetics
Classification: Uncertain significance for Hereditary cancer-predisposing syndrome. Last evaluated: 2024-08-19. Review status: criteria provided, single submitter. Criteria: Ambry Variant Classification Scheme 2023. Collection method: clinical testing. Allele origin: germline.
Comment: The p.V1229L variant (also known as c.3685G>T), located in coding exon 24 of the ALK gene, results from a G to T substitution at nucleotide position 3685. The valine at codon 1229 is replaced by leucine, an amino acid with highly similar properties. This amino acid position is well conserved in available vertebrate species. In addition, the in silico prediction for this alteration is inconclusive. Since supporting evidence is limited at this time, the clinical significance of this alteration remains unclear.